The following is an entry in ClinVar:

ClinVar aggregate classification (germline): Uncertain significance (1 of 4 stars; one submission).

gnomAD v4.1: 1 of 1,612,450 alleles (0.000062%); highest among the groups gnomAD compares: South Asian, 0.0011%; no homozygotes.

Submission:

Labcorp Genetics (formerly Invitae), Labcorp
Classification: Uncertain significance. Last evaluated: 2022-03-24. Review status: criteria provided, single submitter. Criteria: Invitae Variant Classification Sherloc (09022015). Collection method: clinical testing. Allele origin: germline.
Comment: This variant is not present in population databases (gnomAD no frequency). In summary, the available evidence is currently insufficient to determine the role of this variant in disease. Therefore, it has been classified as a Variant of Uncertain Significance. Algorithms developed to predict the effect of sequence changes on RNA splicing suggest that this variant may disrupt the consensus splice site. This variant has not been reported in the literature in individuals affected with KREMEN1-related conditions. This sequence change affects an acceptor splice site in intron 3 of the KREMEN1 gene. It is expected to disrupt RNA splicing. Variants that disrupt the donor or acceptor splice site typically lead to a loss of protein function (PMID: 16199547), however the current clinical and genetic evidence is not sufficient to establish whether loss-of-function variants in KREMEN1 cause disease.

Literature cited by the submitters: PubMed 16199547.

NM_001039570.3(KREMEN1):c.353-1G>C

Gene: KREMEN1 (kringle containing transmembrane protein 1; plus strand). Cytogenetic location: 22q12.1.
Variant type: single nucleotide variant.
Coding change: c.353-1G>C on transcript NM_001039570.3 (MANE Select); the canonical splice acceptor site of the intron before coding-DNA position 353, G replaced by C.
Molecular consequence: splice acceptor variant.
Genome position (GRCh38, 1-based): chr22:29,121,356, G>C. VCF-style: chr22-29121356-G-C. GRCh37 (hg19) VCF-style: chr22-29517344-G-C.
Other names: c.353-1G>C (NM_032045.5).
Identifiers: ClinVar variation 2116375 (VCV002116375.4), dbSNP rs2038353783, ClinGen allele CA411087117.